The following is an entry in ClinVar:

ClinVar aggregate classification (germline): Uncertain significance. Review status: criteria provided, multiple submitters, no conflicts (2 of 4 stars). 3 submissions from 3 submitters: Uncertain significance (3). Last evaluated 2025-12-19.

Conditions:
Cardiovascular phenotype. Identifiers: MedGen CN230736.

Allele frequency attached by ClinVar (database versions not stated): TOPMed 0.00001; gnomAD exomes 0.00003; ExAC 0.00005; gnomAD 0.00006.

Submissions (3):

Labcorp Genetics (formerly Invitae), Labcorp
Classification: Uncertain significance. Last evaluated: 2025-12-19. Review status: criteria provided, single submitter. Criteria: Invitae Variant Classification Sherloc (09022015). Collection method: clinical testing. Allele origin: germline.
Comment: This sequence change replaces valine, which is neutral and non-polar, with isoleucine, which is neutral and non-polar, at codon 67 of the APOC2 protein (p.Val67Ile). This variant is present in population databases (rs778175608, gnomAD 0.01%). This missense change has been observed in individual(s) with APOC2-related conditions (PMID: 36325899). ClinVar contains an entry for this variant (Variation ID: 1784134). An algorithm developed to predict the effect of missense changes on protein structure and function (PolyPhen-2) suggests that this variant is likely to be tolerated. In summary, the available evidence is currently insufficient to determine the role of this variant in disease. Therefore, it has been classified as a Variant of Uncertain Significance.

Blueprint Genetics
Classification: Uncertain significance. Last evaluated: 2024-11-14. Review status: criteria provided, single submitter. Criteria: ACMG Guidelines, 2015. Collection method: clinical testing. Allele origin: germline.

Ambry Genetics
Classification: Uncertain significance for Cardiovascular phenotype. Last evaluated: 2024-07-07. Review status: criteria provided, single submitter. Criteria: Ambry Variant Classification Scheme 2023. Collection method: clinical testing. Allele origin: germline.
Comment: The p.V67I variant (also known as c.199G>A), located in coding exon 2 of the APOC2 gene, results from a G to A substitution at nucleotide position 199. The valine at codon 67 is replaced by isoleucine, an amino acid with highly similar properties. This amino acid position is conserved. In addition, this alteration is predicted to be tolerated by in silico analysis. Since supporting evidence is limited at this time, the clinical significance of this alteration remains unclear.

Literature cited by the submitters: PubMed 36325899 (cited by Labcorp Genetics (formerly Invitae), Labcorp).

NM_000483.5(APOC2):c.199G>A (p.Val67Ile)

Genes: APOC2 (apolipoprotein C2; plus strand), APOC4-APOC2 (APOC4-APOC2 readthrough (NMD candidate); plus strand). Cytogenetic location: 19q13.32.
Variant type: single nucleotide variant.
Coding change: c.199G>A on transcript NM_000483.5 (MANE Select); coding-DNA position 199, G replaced by A.
Protein change: p.Val67Ile; replaces valine 67 with isoleucine.
Molecular consequence: missense variant. On other transcripts: non-coding transcript variant (1).
Genome position (GRCh38, 1-based): chr19:44,948,844, G>A. VCF-style: chr19-44948844-G-A. GRCh37 (hg19) VCF-style: chr19-45452101-G-A.
Other names: short protein forms V67I.
Identifiers: ClinVar variation 1784134 (VCV001784134.9), dbSNP rs778175608, ClinGen allele CA9506621.